The following is an entry in ClinVar:

ClinVar aggregate classification (germline): Pathogenic. Review status: reviewed by expert panel (3 of 4 stars). 2 submissions from 2 submitters: Pathogenic (1). 1 of the submissions does not count toward it. Last evaluated 2016-10-18.

Conditions:
Breast-ovarian cancer, familial, susceptibility to, 1 (BROVCA1). Also called: BRCA1 Hereditary Breast and Ovarian Cancer; OVARIAN CANCER, SUSCEPTIBILITY TO. Identifiers: Orphanet 145, MedGen C2676676, MONDO:0011450, OMIM 604370. Disease mechanism: loss of function.

Submissions (2):

Evidence-based Network for the Interpretation of Germline Mutant Alleles (ENIGMA)
Classification: Pathogenic for Breast-ovarian cancer, familial, susceptibility to, 1. Last evaluated: 2016-10-18. Review status: reviewed by expert panel. Criteria: ENIGMA BRCA1/2 Classification Criteria (2015). Collection method: curation. Allele origin: germline.
Comment: Variant allele predicted to encode a truncated non-functional protein.

Consortium of Investigators of Modifiers of BRCA1/2 (CIMBA), c/o University of Cambridge
Classification: Pathogenic for Breast-ovarian cancer, familial, susceptibility to, 1. Last evaluated: 2015-10-02. Review status: criteria provided, single submitter. Criteria: CIMBA Mutation Classification guidelines May 2016. Collection method: clinical testing. Allele origin: germline. Not counted in ClinVar's aggregate classification.

NM_007294.4(BRCA1):c.750_751del (p.Lys251fs)

Gene: BRCA1 (BRCA1 DNA repair associated; minus strand). Cytogenetic location: 17q21.31.
Variant type: Microsatellite.
Coding change: c.750_751del on transcript NM_007294.4 (MANE Select); coding-DNA positions 750 to 751, 2 bases deleted (GA; older notation c.750_751delGA).
Protein change: p.Lys251fs; shifts the reading frame from lysine 251.
Molecular consequence: frameshift variant. On other transcripts: non-coding transcript variant (1).
Genome position (GRCh38, 1-based): chr17:43,094,780-43,094,781, TC deleted on the plus strand (GA on the coding strand, the reverse complement: BRCA1 is on the minus strand); deleting any 2 consecutive bases within chr17:43,094,780-43,094,783 gives the same sequence; the c. name uses the placement nearest the transcript's 3' end. VCF-style (leftmost placement, unchanged base first): chr17-43094779-TTC-T. GRCh37 (hg19) VCF-style: chr17-41246796-TTC-T.
Other names: 869_870delGA; c.750_751del (NM_007294.3); c.604_605GA[1], p.Lys203Alafs (NM_001407746.1, NM_001407747.1, NM_001407748.1 and 26 more transcripts); c.607_608GA[1], p.Lys204Alafs (NM_001407750.1, NM_001407751.1, NM_001407752.1 and 42 more transcripts); c.535_536GA[1], p.Lys180Alafs (NM_001407853.1, NM_001407894.1, NM_001407895.1 and 12 more transcripts); c.748_749GA[1], p.Lys251Alafs (NM_001407854.1, NM_001407858.1, NM_001407859.1 and 52 more transcripts); c.745_746GA[1], p.Lys250Alafs (NM_001407860.1, NM_001407861.1, NM_001407972.1 and 38 more transcripts); c.547_548GA[1], p.Lys184Alafs (NM_001407862.1, NM_001408474.1, NM_001408476.1); and 18 more; short protein forms K204fs, K251fs.
Identifiers: ClinVar variation 266576 (VCV000266576.6), dbSNP rs886040316, ClinGen allele CA10589996.